The following is an entry in ClinVar:

ClinVar aggregate classification (germline): Likely benign. Review status: criteria provided, multiple submitters, no conflicts (2 of 4 stars). 3 submissions from 3 submitters: Likely benign (3). Last evaluated 2026-01-01.

Allele frequency attached by ClinVar (database versions not stated): ExAC 0.00009; gnomAD 0.00012; TOPMed 0.00015; gnomAD exomes 0.00024.

Submissions (3):

CeGaT Center for Human Genetics Tuebingen
Classification: Likely benign. Last evaluated: 2026-01-01. Review status: criteria provided, single submitter. Criteria: CeGaT Center For Human Genetics Tuebingen Variant Classification Criteria Version 2. Collection method: clinical testing. Allele origin: germline. Affected: yes. Observed: 3 variant alleles.
Comment: NEFH: BP4, BP7

Labcorp Genetics (formerly Invitae), Labcorp
Classification: Likely benign. Last evaluated: 2025-10-08. Review status: criteria provided, single submitter. Criteria: Invitae Variant Classification Sherloc (09022015). Collection method: clinical testing. Allele origin: germline.

Mayo Clinic Laboratories, Mayo Clinic
Classification: Likely benign. Last evaluated: 2024-10-11. Review status: criteria provided, single submitter. Criteria: ACMG Guidelines, 2015. Collection method: clinical testing. Allele origin: germline. Observed: 2 variant alleles.
Comment: BP4, BP7

Literature cited by the submitters: PubMed 27790088 (cited by Mayo Clinic Laboratories, Mayo Clinic).

NM_021076.4(NEFH):c.2646C>T (p.Val882=)

Gene: NEFH (neurofilament heavy chain; plus strand). Cytogenetic location: 22q12.2.
Variant type: single nucleotide variant.
Coding change: c.2646C>T on transcript NM_021076.4 (MANE Select); coding-DNA position 2646, C replaced by T.
Protein change: p.Val882=; no amino-acid change (valine 882 retained).
Molecular consequence: synonymous variant.
Genome position (GRCh38, 1-based): chr22:29,490,286, C>T. VCF-style: chr22-29490286-C-T. GRCh37 (hg19) VCF-style: chr22-29886275-C-T.
Other names: p.Val882=.
Identifiers: ClinVar variation 2173054 (VCV002173054.12), dbSNP rs528790943, ClinGen allele CA10174469.